The following is an entry in ClinVar:

NM_000360.4(TH):c.475G>A (p.Ala159Thr)

Gene: TH (tyrosine hydroxylase; minus strand). Cytogenetic location: 11p15.5.
Variant type: single nucleotide variant.
Coding change: c.475G>A on transcript NM_000360.4 (MANE Select); coding-DNA position 475, G replaced by A.
Protein change: p.Ala159Thr; replaces alanine 159 with threonine.
Molecular consequence: missense variant.
Genome position (GRCh38, 1-based): chr11:2,168,503, C>T on the plus strand (G>A on the coding strand, the complement: TH is on the minus strand). VCF-style: chr11-2168503-C-T. GRCh37 (hg19) VCF-style: chr11-2189733-C-T.
Other names: c.568G>A, p.Ala190Thr (NM_199292.3); c.556G>A, p.Ala186Thr (NM_199293.3); short protein forms A159T, A186T, A190T.
Identifiers: ClinVar variation 2075374 (VCV002075374.1), dbSNP rs1490005005, ClinGen allele CA379128783.

ClinVar aggregate classification (germline): Uncertain significance (1 of 4 stars; one submission).

Conditions:
TH-deficient dopa-responsive dystonia. Also called: Tyrosine Hydroxylase-Deficient Dopa-Responsive Dystonia; Segawa syndrome, autosomal recessive; DYT-TH. Identifiers: Orphanet 101150, MedGen C2673535, MONDO:0011551, OMIM 605407.

Allele frequency attached by ClinVar (database versions not stated): gnomAD exomes below 0.00001; TOPMed below 0.00001; gnomAD 0.00001.
gnomAD v4.1: 8 of 1,612,192 alleles (0.0005%); highest among the groups gnomAD compares: South Asian, 0.0011%; no homozygotes.

Submission:

Labcorp Genetics (formerly Invitae), Labcorp
Classification: Uncertain significance for TH-deficient dopa-responsive dystonia. Last evaluated: 2022-06-01. Review status: criteria provided, single submitter. Criteria: Invitae Variant Classification Sherloc (09022015). Collection method: clinical testing. Allele origin: germline.
Comment: This sequence change replaces alanine, which is neutral and non-polar, with threonine, which is neutral and polar, at codon 190 of the TH protein (p.Ala190Thr). The frequency data for this variant in the population databases is considered unreliable, as metrics indicate poor data quality at this position in the gnomAD database. This variant has not been reported in the literature in individuals affected with TH-related conditions. Advanced modeling of protein sequence and biophysical properties (such as structural, functional, and spatial information, amino acid conservation, physicochemical variation, residue mobility, and thermodynamic stability) performed at Invitae indicates that this missense variant is not expected to disrupt TH protein function. In summary, the available evidence is currently insufficient to determine the role of this variant in disease. Therefore, it has been classified as a Variant of Uncertain Significance.